The following is an entry in ClinVar:

ClinVar aggregate classification (germline): Pathogenic. Review status: reviewed by expert panel (3 of 4 stars). 7 submissions from 7 submitters: Pathogenic (1). 6 of the submissions do not count toward it. Last evaluated 2023-06-27.

Conditions:
Glycogen storage disease, type II (IOPD). Also called: POMPE DISEASE, INFANTILE-ONSET; GLYCOGEN STORAGE DISEASE II, INFANTILE-ONSET; ACID ALPHA-GLUCOSIDASE DEFICIENCY, INFANTILE-ONSET; GAA DEFICIENCY, INFANTILE-ONSET; ACID MALTASE DEFICIENCY, INFANTILE-ONSET; Glucosidase acid-1,4-alpha deficiency. Identifiers: Orphanet 365, MedGen C0017921, MONDO:0009290, OMIM 232300.

Submissions (7):

ClinGen Lysosomal Storage Disorder Variant Curation Expert Panel
Classification: Pathogenic for Glycogen storage disease, type II. Last evaluated: 2023-06-27. Review status: reviewed by expert panel. Criteria: clingen_lsd_acmg_specifications_v2-1. Collection method: curation. Allele origin: germline. Inheritance: Autosomal recessive inheritance.
Comment: The NM_000152.5(GAA):c.1951_1952delinsT (p.Gly651SerfsTer45) variant in GAA is a frameshift variant predicted to cause a premature stop codon leading to nonsense mediated decay in a gene in which loss-of-function is an established disease mechanism (PVS1). The variant is absent in gnomAD v2.1.1 (PM2_Supporting). Two siblings with late onset Pompe disease are compound heterozygous for the variant and a pathogenic variant in GAA, c.-32-13T>G; phase unknown, and are treated with enzyme replacement therapy (PMID 31392188) (PP4). In addition, an adult patient with clinical symptoms consistent with Pompe disease, undergoing genetic testing in a clinical laboratory, is compound heterozygous for the variant and another variant in GAA that has been classified as pathogenic by the ClinGen LD VCEP, c.2014C>T (p.Arg672Trp) (PM3). There is a ClinVar entry for this variant (Variation ID: 633225). In summary, this variant meets the criteria to be classified as pathogenic for Pompe disease. GAA-specific ACMG/AMP criteria applied, as specified by the ClinGen Lysosomal Diseases VCEP (Specifications Version 2.0): PVS1, PM3, PP4, PM2_Supporting. (Classification approved by the ClinGen Lysosomal Diseases VCEP on June 27, 2023)

Genomenon, Inc
Classification: Pathogenic for Glycogen storage disease, type II. Last evaluated: 2026-07-01. Review status: criteria provided, single submitter. Criteria: Genomenon Sequence Variant Interpretation Standards - Updated. Collection method: curation. Allele origin: germline. Affected: yes. Not counted in ClinVar's aggregate classification.
Comment: GAA p.Gly651SerfsTer45 (c.1951_1952delinsT) is a frameshift variant that is predicted to introduce a premature termination codon and result in a truncated or absent protein product. This variant has been observed in at least one proband with a GAA-related disorder (PMID:34952985;31392188;37701327;25085675). It is absent or not present at a significant frequency in gnomAD. In conclusion, we classify GAA p.Gly651SerfsTer45 (c.1951_1952delinsT) as a pathogenic variant.

Natera, Inc.
Classification: Pathogenic for Glycogen storage disease type II. Last evaluated: 2025-05-08. Review status: criteria provided, single submitter. Criteria: Natera Variant Classification Schema (03/2026). Collection method: clinical testing. Allele origin: germline. Not counted in ClinVar's aggregate classification.
Comment: The c.1951_1952delinsT variant in GAA is a frameshift variant predicted to shift the reading frame beginning at codon 651 and leads to a stop codon 45 codons downstream. This variant is expected to result in nonsense mediated decay, truncation, or a dysfunctional protein product. This variant is rare in the general population with a frequency below the threshold expected for the associated phenotype(s). This variant has been observed in one or more individuals affected with the associated recessive disease, as either homozygous or compound heterozygous with a second variant (PMID: 31392188). Additionally, this variant has been observed to segregate in affected family members (PMID: 31392188). Given the available evidence, this variant is classified as Pathogenic.

Genetic Services Laboratory, University of Chicago
Classification: Likely pathogenic. Last evaluated: 2021-07-14. Review status: criteria provided, single submitter. Criteria: ACMG Guidelines, 2015. Collection method: clinical testing. Allele origin: germline. Affected: yes. Not counted in ClinVar's aggregate classification.
Comment: DNA sequence analysis of the GAA gene demonstrated a sequence change, c.1951_1952delinsT, which occurs in exon 14 and results in an amino acid frameshift and the creation of a premature termination codon 45 amino acids downstream of the sequence change, p.Gly651Serfs*45. This sequence change is predicted to result in an abnormal, truncated GAA protein that is likely to be degraded and/or affect its normal function. This sequence change has not been described in the gnomAD database (dbSNP rs1567835781). This sequence change has been identified in the compound heterozygous state with the c.-32-13T>G pathogenic variant in two siblings with late-onset Pompe disease (PMID 31392188), however residual GAA activity was not provided. A similar variant (c.1952del, p.Gly651Alafs*45), has also been identified in compound heterozygous state with the c.-32-13T>G in an individual with late-onset Pompe disease (PMID: 31125121). Based on these evidences, the c.1951_1952delinsT variant is classified as likely pathogenic. Our interpretation is based on the current understanding of the genetics of GAA-related disorders.

Labcorp Genetics (formerly Invitae), Labcorp
Classification: Pathogenic for Glycogen storage disease, type II. Last evaluated: 2021-05-19. Review status: criteria provided, single submitter. Criteria: Invitae Variant Classification Sherloc (09022015). Collection method: clinical testing. Allele origin: germline. Not counted in ClinVar's aggregate classification.
Comment: For these reasons, this variant has been classified as Pathogenic. This variant has been observed in individual(s) with Pompe disease (PMID: 31392188). ClinVar contains an entry for this variant (Variation ID: 632822). The frequency data for this variant in the population databases is not available, as this variant may be reported as separate entries in the ExAC database. This sequence change creates a premature translational stop signal (p.Gly651Alafs*45) in the GAA gene. It is expected to result in an absent or disrupted protein product. Loss-of-function variants in GAA are known to be pathogenic (PMID: 18425781, 22252923).

Revvity Omics, Revvity
Classification: Pathogenic. Last evaluated: 2019-07-30. Review status: criteria provided, single submitter. Criteria: ACMG Guidelines, 2015. Collection method: clinical testing. Allele origin: germline. Not counted in ClinVar's aggregate classification.

Women's Health and Genetics/Laboratory Corporation of America, LabCorp
Classification: Likely pathogenic for Glycogen storage disease, type II. Last evaluated: 2018-03-20. Review status: criteria provided, single submitter. Criteria: LabCorp Variant Classification Summary - May 2015. Collection method: clinical testing. Allele origin: germline. Not counted in ClinVar's aggregate classification.
Comment: Variant summary: GAA c.1951_1952delinsT (p.Gly651SerfsX45) results in a premature termination codon, predicted to cause a truncation of the encoded protein or absence of the protein due to nonsense mediated decay, which are commonly known mechanisms for disease. Truncations downstream of this position have been classified as pathogenic by our laboratory (eg. c.2188G>T, p.Glu730X; c.2544delC, p.Lys849fsX38). The variant was absent in 237910 control chromosomes (gnomAD). To our knowledge, no occurrence of c.1951_1952delinsT in individuals affected with Pompe disease and no experimental evidence demonstrating its impact on protein function have been reported in the literature. No clinical diagnostic laboratories have submitted clinical-significance assessments for this variant to ClinVar after 2014. Based on the evidence outlined above, the variant was classified as likely pathogenic.

Literature cited by the submitters: PubMed 34952985 (cited by Genomenon, Inc); PubMed 31392188 (cited by 3 submitters); PubMed 37701327 (cited by Genomenon, Inc); PubMed 25085675 (cited by Genomenon, Inc); PubMed 18425781 (cited by Labcorp Genetics (formerly Invitae), Labcorp); PubMed 22252923 (cited by Labcorp Genetics (formerly Invitae), Labcorp).

NM_000152.5(GAA):c.1951_1952delinsT (p.Gly651fs)

Gene: GAA (alpha glucosidase; plus strand). Cytogenetic location: 17q25.3.
Variant type: Indel.
Coding change: c.1951_1952delinsT on transcript NM_000152.5 (MANE Select); coding-DNA positions 1951 to 1952, GG replaced by T.
Protein change: p.Gly651fs; shifts the reading frame from glycine 651.
Molecular consequence: frameshift variant.
Genome position (GRCh38, 1-based): chr17:80,112,938-80,112,939, GG replaced by T. VCF-style: chr17-80112938-GG-T. GRCh37 (hg19) VCF-style: chr17-78086737-GG-T.
Other names: c.1951_1952delinsT (NM_000152.4, LRG_673t1); c.1951_1952delinsT, p.Gly651fs (NM_001079803.3, NM_001079804.3); short protein forms G651fs.
Identifiers: ClinVar variation 633225 (VCV000633225.19), dbSNP rs1567835781, ClinGen allele CA913191010.